The following is an entry in ClinVar:

ClinVar aggregate classification (germline): Uncertain significance. Review status: criteria provided, multiple submitters, no conflicts (2 of 4 stars). 2 submissions from 2 submitters: Uncertain significance (2). Last evaluated 2025-12-08.

Conditions:
Ataxia-telangiectasia-like disorder (ATLD). Identifiers: MedGen C1858391, MONDO:0011457.
Hereditary cancer-predisposing syndrome. Also called: Neoplastic Syndromes, Hereditary; Hereditary Cancer Syndrome; Tumor predisposition; Hereditary neoplastic syndrome. Identifiers: Orphanet 140162, MedGen C0027672, MeSH D009386, MONDO:0015356.

Submissions (2):

Labcorp Genetics (formerly Invitae), Labcorp
Classification: Uncertain significance for Ataxia-telangiectasia-like disorder. Last evaluated: 2025-12-08. Review status: criteria provided, single submitter. Criteria: Invitae Variant Classification Sherloc (09022015). Collection method: clinical testing. Allele origin: germline.
Comment: This variant, c.1226_1228del, results in the deletion of 1 amino acid(s) of the MRE11 protein (p.Gly409del), but otherwise preserves the integrity of the reading frame. This variant is present in population databases (rs587782089, gnomAD 0.01%). This variant has not been reported in the literature in individuals affected with MRE11-related conditions. ClinVar contains an entry for this variant (Variation ID: 141894). Experimental studies and prediction algorithms are not available or were not evaluated, and the functional significance of this variant is currently unknown. Algorithms developed to predict the effect of sequence changes on RNA splicing suggest that this variant may disrupt the consensus splice site. In summary, the available evidence is currently insufficient to determine the role of this variant in disease. Therefore, it has been classified as a Variant of Uncertain Significance.

Ambry Genetics
Classification: Uncertain significance for Hereditary cancer-predisposing syndrome. Last evaluated: 2018-05-25. Review status: criteria provided, single submitter. Criteria: Ambry Variant Classification Scheme 2023. Collection method: clinical testing. Allele origin: germline.
Comment: The c.1226_1228delGAG variant (also known as p.G409del) is located in coding exon 11 of the MRE11A gene. This variant results from an in-frame GAG deletion at nucleotide positions 1226 to 1228. This results in the in-frame deletion of a not well conserved glycine at codon 409. Since supporting evidence is limited at this time, the clinical significance of this alteration remains unclear.

NM_005591.3(MRE11):c.1226_1228delGAG

Gene: MRE11 (MRE11 double strand break repair nuclease; minus strand). Cytogenetic location: 11q21.
Variant type: Deletion.
Coding change: c.1226_1228delGAG on transcript NM_005591.3; coding-DNA positions 1226 to 1228, 3 bases deleted (GAG).
Genome position (GRCh38, 1-based): chr11:94,461,034-94,461,036, CTC deleted on the plus strand (GAG on the coding strand, the reverse complement: MRE11 is on the minus strand); deleting any 3 consecutive bases within chr11:94,461,034-94,461,038 gives the same sequence; the c. name uses the placement nearest the transcript's 3' end. VCF-style (leftmost placement, unchanged base first): chr11-94461033-TCTC-T. GRCh37 (hg19) VCF-style: chr11-94194199-TCTC-T.
Other names: c.1226_1228del (NM_005591.3).
Identifiers: ClinVar variation 141894 (VCV000141894.15), dbSNP rs587782089, ClinGen allele CA166725.
Genomic context (GRCh38, chr11:94,461,033, plus strand): 5'-TCTACCCTTAAAGTTGTTCCTTCTGAAGGCTTTGTGATAAGTTTCCCAAAGTTGATCTCT[TCTC>T]CTAGAAAAAAAGAAGTATATCAAAAAATAGCTTCTATCATAATGTTAAAATGTGCATACT-3'